The following is an entry in ClinVar:

ClinVar aggregate classification (germline): Uncertain significance (1 of 4 stars; one submission).

gnomAD v4.1: 12 of 1,614,122 alleles (0.00074%); highest among the groups gnomAD compares: Non-Finnish European, 0.001%; no homozygotes.

Submission:

Ambry Genetics
Classification: Uncertain significance. Last evaluated: 2024-04-18. Review status: criteria provided, single submitter. Criteria: Ambry Variant Classification Scheme 2023. Collection method: clinical testing. Allele origin: germline.
Comment: The p.V1929I variant (also known as c.5785G>A), located in coding exon 8 of the ALPK2 gene, results from a G to A substitution at nucleotide position 5785. The valine at codon 1929 is replaced by isoleucine, an amino acid with highly similar properties. This amino acid position is conserved. In addition, this alteration is predicted to be tolerated by in silico analysis. Since supporting evidence is limited at this time, the clinical significance of this alteration remains unclear.

NM_052947.4(ALPK2):c.5785G>A (p.Val1929Ile)

Gene: ALPK2 (alpha kinase 2; minus strand). Cytogenetic location: 18q21.31.
Variant type: single nucleotide variant.
Coding change: c.5785G>A on transcript NM_052947.4 (MANE Select); coding-DNA position 5785, G replaced by A.
Protein change: p.Val1929Ile; replaces valine 1929 with isoleucine.
Molecular consequence: missense variant.
Genome position (GRCh38, 1-based): chr18:58,517,063, C>T on the plus strand (G>A on the coding strand, the complement: ALPK2 is on the minus strand). VCF-style: chr18-58517063-C-T. GRCh37 (hg19) VCF-style: chr18-56184295-C-T.
Other names: short protein forms V1929I.
Identifiers: ClinVar variation 1749621 (VCV001749621.3), dbSNP rs781603343, ClinGen allele CA300911516.